The following is an entry in ClinVar:

ClinVar aggregate classification (germline): Pathogenic. Review status: criteria provided, single submitter (1 of 4 stars). 3 submissions from 3 submitters: Pathogenic (1). 2 of the submissions do not count toward it. Last evaluated 2020-12-25.

Conditions:
Charcot-Marie-Tooth disease. Also called: Charcot-Marie-Tooth Neuropathy; Charcot-Marie-Tooth Hereditary Neuropathy. Identifiers: Orphanet 166, MedGen C0007959, MONDO:0015626.
Charcot-Marie-Tooth disease type 1C. Also called: CHARCOT-MARIE-TOOTH NEUROPATHY, TYPE 1C; NEUROPATHY, HEREDITARY MOTOR AND SENSORY, TYPE IC; CHARCOT-MARIE-TOOTH DISEASE, DEMYELINATING, TYPE 1C; CMT, SLOW NERVE CONDUCTION TYPE C; HMSN IC; Charcot-Marie-Tooth disease, type IC. Identifiers: Orphanet 101083, MedGen C0270913, MONDO:0010995, OMIM 601098.

Submissions (3):

Labcorp Genetics (formerly Invitae), Labcorp
Classification: Pathogenic for Charcot-Marie-Tooth disease type 1C. Last evaluated: 2020-12-25. Review status: criteria provided, single submitter. Criteria: Invitae Variant Classification Sherloc (09022015). Collection method: clinical testing. Allele origin: germline.
Comment: For these reasons, this variant has been classified as Pathogenic. Experimental studies have shown that this variant affects LITAF protein function (PMID: 21896645, 25058650, 23166352). This variant has been observed in individual(s) with Charcot-Marie-Tooth disease (PMID: 16787513). It has also been observed to segregate with disease in related individuals. ClinVar contains an entry for this variant (Variation ID: 41230). This variant is not present in population databases (ExAC no frequency). This sequence change replaces proline with threonine at codon 135 of the LITAF protein (p.Pro135Thr). The proline residue is moderately conserved and there is a small physicochemical difference between proline and threonine.

GeneReviews
No classification provided. Condition: Charcot-Marie-Tooth disease type 1C. Review status: no classification provided. Collection method: literature only. Allele origin: unknown. Not counted in ClinVar's aggregate classification.

Inherited Neuropathy Consortium
Classification: Uncertain significance for Charcot-Marie-Tooth disease. Review status: no assertion criteria provided. Collection method: literature only. Allele origin: germline. Affected: yes. Not counted in ClinVar's aggregate classification.

Literature cited by the submitters: PubMed 21896645 (cited by Labcorp Genetics (formerly Invitae), Labcorp); PubMed 25058650 (cited by Labcorp Genetics (formerly Invitae), Labcorp); PubMed 23166352 (cited by Labcorp Genetics (formerly Invitae), Labcorp); PubMed 16787513 (cited by Labcorp Genetics (formerly Invitae), Labcorp and Inherited Neuropathy Consortium); PubMed 20301384 (cited by GeneReviews); NCBI Bookshelf NBK1205 (cited by GeneReviews).

NM_001136472.2(LITAF):c.403C>A (p.Pro135Thr)

Gene: LITAF (lipopolysaccharide induced TNF factor; minus strand). Cytogenetic location: 16p13.13.
Variant type: single nucleotide variant.
Coding change: c.403C>A on transcript NM_001136472.2 (MANE Select); coding-DNA position 403, C replaced by A.
Protein change: p.Pro135Thr; replaces proline 135 with threonine.
Molecular consequence: missense variant. On other transcripts: 3 prime UTR variant (1), non-coding transcript variant (1).
Genome position (GRCh38, 1-based): chr16:11,549,720, G>T on the plus strand (C>A on the coding strand, the complement: LITAF is on the minus strand). VCF-style: chr16-11549720-G-T. GRCh37 (hg19) VCF-style: chr16-11643576-G-T.
Other names: c.*42C>A (NM_001136473.1); c.403C>A, p.Pro135Thr (NM_004862.4); short protein forms P135T.
Identifiers: ClinVar variation 41230 (VCV000041230.11), dbSNP rs281865135, ClinGen allele CA344234.